The following is an entry in ClinVar:

ClinVar aggregate classification (germline): Likely benign (0 of 4 stars; one submission).

Conditions:
CDKN1C-related disorder. Also called: CDKN1C-related condition.

Allele frequency attached by ClinVar (database versions not stated): gnomAD 0.00005; ExAC 0.00010.
gnomAD v4.1: 22 of 1,589,518 alleles (0.0014%); highest among the groups gnomAD compares: Admixed American, 0.01%; no homozygotes.

Submission:

PreventionGenetics, part of Exact Sciences
Classification: Likely benign for CDKN1C-related condition. Last evaluated: 2019-09-26. Review status: no assertion criteria provided. Collection method: clinical testing. Allele origin: germline.
Comment: This variant is classified as likely benign based on ACMG/AMP sequence variant interpretation guidelines (Richards et al. 2015 PMID: 25741868, with internal and published modifications).

NM_001122630.2(CDKN1C):c.*6-4G>A

Gene: CDKN1C (cyclin dependent kinase inhibitor 1C; minus strand). Cytogenetic location: 11p15.4.
Variant type: single nucleotide variant.
Coding change: c.*6-4G>A on transcript NM_001122630.2 (MANE Select); 4 bases into the intron before 6 bases downstream of the stop codon, G replaced by A.
Molecular consequence: intron variant.
Genome position (GRCh38, 1-based): chr11:2,883,919, C>T on the plus strand (G>A on the coding strand, the complement: CDKN1C is on the minus strand). VCF-style: chr11-2883919-C-T. GRCh37 (hg19) VCF-style: chr11-2905149-C-T.
Other names: c.392-9G>A (NM_001362475.2); c.*6-9G>A (NM_001122631.2, NM_001362474.2); c.*6-4G>A (NM_000076.2).
Identifiers: ClinVar variation 3039744 (VCV003039744.2), dbSNP rs767540210, ClinGen allele CA5822099.